The following is an entry in ClinVar:

NM_001177316.2(SLC34A3):c.1429T>G (p.Phe477Val)

Gene: SLC34A3 (solute carrier family 34 member 3; plus strand). Cytogenetic location: 9q34.3.
Variant type: single nucleotide variant.
Coding change: c.1429T>G on transcript NM_001177316.2 (MANE Select); coding-DNA position 1429, T replaced by G.
Protein change: p.Phe477Val; replaces phenylalanine 477 with valine.
Molecular consequence: missense variant.
Genome position (GRCh38, 1-based): chr9:137,236,045, T>G. VCF-style: chr9-137236045-T-G. GRCh37 (hg19) VCF-style: chr9-140130497-T-G.
Other names: c.1429T>G, p.Phe477Val (NM_001177317.2, NM_080877.3); short protein forms F477V.
Identifiers: ClinVar variation 1904375 (VCV001904375.3), dbSNP rs779717562, ClinGen allele CA5364944.

ClinVar aggregate classification (germline): Uncertain significance (1 of 4 stars; one submission).

Allele frequency attached by ClinVar (database versions not stated): gnomAD exomes 0.00001; TOPMed 0.00001; gnomAD 0.00003.
gnomAD v4.1: 21 of 1,612,478 alleles (0.0013%); highest among the groups gnomAD compares: Non-Finnish European, 0.0016%; no homozygotes.

Submission:

Labcorp Genetics (formerly Invitae), Labcorp
Classification: Uncertain significance. Last evaluated: 2024-10-16. Review status: criteria provided, single submitter. Criteria: Invitae Variant Classification Sherloc (09022015). Collection method: clinical testing. Allele origin: germline.
Comment: This sequence change replaces phenylalanine, which is neutral and non-polar, with valine, which is neutral and non-polar, at codon 477 of the SLC34A3 protein (p.Phe477Val). This variant is present in population databases (rs779717562, gnomAD 0.003%). This variant has not been reported in the literature in individuals affected with SLC34A3-related conditions. ClinVar contains an entry for this variant (Variation ID: 1904375). Invitae Evidence Modeling of protein sequence and biophysical properties (such as structural, functional, and spatial information, amino acid conservation, physicochemical variation, residue mobility, and thermodynamic stability) indicates that this missense variant is not expected to disrupt SLC34A3 protein function with a negative predictive value of 80%. In summary, the available evidence is currently insufficient to determine the role of this variant in disease. Therefore, it has been classified as a Variant of Uncertain Significance.